The following is an entry in ClinVar:

ClinVar aggregate classification (germline): Uncertain significance (1 of 4 stars; one submission).

Submission:

GeneDx
Classification: Uncertain significance. Last evaluated: 2024-03-26. Review status: criteria provided, single submitter. Criteria: GeneDx Variant Classification Process June 2021. Collection method: clinical testing. Allele origin: germline. Affected: yes.
Comment: Not observed at significant frequency in large population cohorts (gnomAD); In silico analysis supports that this missense variant has a deleterious effect on protein structure/function; In silico analysis also supports a deleterious effect on splicing; Has not been previously published as pathogenic or benign to our knowledge

NM_021096.4(CACNA1I):c.2143A>G (p.Ser715Gly)

Gene: CACNA1I (calcium voltage-gated channel subunit alpha1 I; plus strand). Cytogenetic location: 22q13.1.
Variant type: single nucleotide variant.
Coding change: c.2143A>G on transcript NM_021096.4 (MANE Select); coding-DNA position 2143, A replaced by G.
Protein change: p.Ser715Gly; replaces serine 715 with glycine.
Molecular consequence: missense variant.
Genome position (GRCh38, 1-based): chr22:39,658,302, A>G. VCF-style: chr22-39658302-A-G. GRCh37 (hg19) VCF-style: chr22-40054307-A-G.
Other names: c.2038A>G, p.Ser680Gly (NM_001003406.2); short protein forms S680G, S715G.
Identifiers: ClinVar variation 3371442 (VCV003371442.1).
Genomic context (GRCh38, chr22:39,658,302, plus strand): 5'-GGGCTCTTCGACTACCTGCGTAACCCCTACAACATCTTCGACAGCATCATTGTCATCATC[A>G]GGTACCCCTCCCCCAACCCACCCGGCAGCAGAGTGCCTCGGGGGGACATTTACTGCAAAG-3'
Protein context (NP_066919.2, residues 705-725): NIFDSIIVII[Ser715Gly]IWEIVGQADG